The following is an entry in ClinVar:

NM_000081.4(LYST):c.6682G>C (p.Asp2228His)

Gene: LYST (lysosomal trafficking regulator; minus strand). Cytogenetic location: 1q42.3.
Variant type: single nucleotide variant.
Coding change: c.6682G>C on transcript NM_000081.4 (MANE Select); coding-DNA position 6682, G replaced by C.
Protein change: p.Asp2228His; replaces aspartic acid 2228 with histidine.
Molecular consequence: missense variant.
Genome position (GRCh38, 1-based): chr1:235,759,171, C>G on the plus strand (G>C on the coding strand, the complement: LYST is on the minus strand). VCF-style: chr1-235759171-C-G. GRCh37 (hg19) VCF-style: chr1-235922471-C-G.
Other names: p.Asp2228His; c.6682G>C (NM_000081.2); c.6682G>C, p.Asp2228His (NM_001301365.1); short protein forms D2228H.
Identifiers: ClinVar variation 664644 (VCV000664644.17), dbSNP rs150270086, ClinGen allele CA1466331.
Genomic context (GRCh38, chr1:235,759,171, plus strand): 5'-GCCCAAGGCTTGCAATAGTGCTGTGGCTTCGCTGGAAGGAGGCCAATCCCTTTAGGTAAT[C>G]AGGTCGGCGTGGGCAGGACTCATCCCCAGGACTGTCATCTTCTGACCTGGGTTCTGCTCC-3'
Protein context (NP_000072.2, residues 2218-2238): PGDESCPRRP[Asp2228His]YLKGLASFQR

ClinVar aggregate classification (germline): Conflicting classifications of pathogenicity. Review status: criteria provided, conflicting classifications (1 of 4 stars). 7 submissions from 7 submitters: Uncertain significance (5); Likely benign (2). Last evaluated 2025-10-24.

Conditions:
Inborn genetic diseases. Identifiers: MedGen C0950123, MeSH D030342.
Chédiak-Higashi syndrome (CHS). Also called: Chediak-Higashi Syndrome. Identifiers: Orphanet 167, MedGen C0007965, MONDO:0008963, OMIM 214500.

Allele frequency attached by ClinVar (database versions not stated): gnomAD exomes 0.00004 and 0.00008; ExAC 0.00009; ESP Exome Variant Server 0.00031; gnomAD 0.00040 and 0.00042; TOPMed 0.00048.
gnomAD v4.1: 124 of 1,614,166 alleles (0.0077%); highest among the groups gnomAD compares: African/African-American, 0.13%; no homozygotes.

Submissions (7):

Ambry Genetics
Classification: Uncertain significance for Inborn genetic diseases. Last evaluated: 2025-10-24. Review status: criteria provided, single submitter. Criteria: Ambry Variant Classification Scheme 2023. Collection method: clinical testing. Allele origin: germline.

Mayo Clinic Laboratories, Mayo Clinic
Classification: Likely benign. Last evaluated: 2025-10-22. Review status: criteria provided, single submitter. Criteria: ACMG Guidelines, 2015. Collection method: clinical testing. Allele origin: germline. Observed: 1 variant allele.
Comment: BS1, BP4

Women's Health and Genetics/Laboratory Corporation of America, LabCorp
Classification: Likely benign. Last evaluated: 2025-01-13. Review status: criteria provided, single submitter. Criteria: LabCorp Variant Classification Summary - May 2015. Collection method: clinical testing. Allele origin: germline.
Comment: Variant summary: LYST c.6682G>C (p.Asp2228His) results in a non-conservative amino acid change in the encoded protein sequence. Four of four in-silico tools predict a damaging effect of the variant on protein function. The variant allele was found at a frequency of 7.5e-05 in 1607196 control chromosomes, predominantly at a frequency of 0.0013 within the African or African-American subpopulation in the gnomAD database (v4.1 dataset). The observed variant frequency within African or African-American control individuals in the gnomAD database is approximately 1.16-fold of the estimated maximal expected allele frequency for a pathogenic variant in LYST causing Chediak-Higashi Syndrome phenotype (0.0011). To our knowledge, no occurrence of c.6682G>C in individuals affected with Chediak-Higashi Syndrome and no experimental evidence demonstrating its impact on protein function have been reported. ClinVar contains an entry for this variant (Variation ID: 664644). Based on the evidence outlined above, the variant was classified as likely benign.

Blueprint Genetics
Classification: Uncertain significance. Last evaluated: 2024-05-28. Review status: criteria provided, single submitter. Criteria: ACMG Guidelines, 2015. Collection method: clinical testing. Allele origin: germline.

GeneDx
Classification: Uncertain significance. Last evaluated: 2023-02-15. Review status: criteria provided, single submitter. Criteria: GeneDx Variant Classification Process June 2021. Collection method: clinical testing. Allele origin: germline. Affected: yes.
Comment: Has not been previously published as pathogenic or benign to our knowledge; In silico analysis supports that this missense variant has a deleterious effect on protein structure/function

Labcorp Genetics (formerly Invitae), Labcorp
Classification: Uncertain significance for Chédiak-Higashi syndrome. Last evaluated: 2022-11-01. Review status: criteria provided, single submitter. Criteria: Invitae Variant Classification Sherloc (09022015). Collection method: clinical testing. Allele origin: germline.
Comment: This sequence change replaces aspartic acid, which is acidic and polar, with histidine, which is basic and polar, at codon 2228 of the LYST protein (p.Asp2228His). This variant is present in population databases (rs150270086, gnomAD 0.1%). This variant has not been reported in the literature in individuals affected with LYST-related conditions. ClinVar contains an entry for this variant (Variation ID: 664644). Advanced modeling of protein sequence and biophysical properties (such as structural, functional, and spatial information, amino acid conservation, physicochemical variation, residue mobility, and thermodynamic stability) performed at Invitae indicates that this missense variant is expected to disrupt LYST protein function. In summary, the available evidence is currently insufficient to determine the role of this variant in disease. Therefore, it has been classified as a Variant of Uncertain Significance.

Revvity Omics, Revvity
Classification: Uncertain significance for Chédiak-Higashi syndrome. Last evaluated: 2019-06-21. Review status: criteria provided, single submitter. Criteria: ACMG Guidelines, 2015. Collection method: clinical testing. Allele origin: germline.